The following is an entry in ClinVar:

NM_001220.5(CAMK2B):c.125C>G (p.Ala42Gly)

Gene: CAMK2B (calcium/calmodulin dependent protein kinase II beta; minus strand). Cytogenetic location: 7p13.
Variant type: single nucleotide variant.
Coding change: c.125C>G on transcript NM_001220.5 (MANE Select); coding-DNA position 125, C replaced by G.
Protein change: p.Ala42Gly; replaces alanine 42 with glycine.
Molecular consequence: missense variant.
Genome position (GRCh38, 1-based): chr7:44,284,166, G>C on the plus strand (C>G on the coding strand, the complement: CAMK2B is on the minus strand). VCF-style: chr7-44284166-G-C. GRCh37 (hg19) VCF-style: chr7-44323765-G-C.
Other names: c.125C>G, p.Ala42Gly (NM_001293170.2, NM_172078.3, NM_172079.3 and 5 more transcripts); short protein forms A42G.
Identifiers: ClinVar variation 2546701 (VCV002546701.3), dbSNP rs2487964921, ClinGen allele CA367379690.
Genomic context (GRCh38, chr7:44,284,166, plus strand): 5'-GCGCAGGACACTCCCCATGCCCTACCTCTGGCTGACAGCTTCTTGGTGTTGATGATCTTG[G>C]CTGCATACTCATGGCCGGTGCAGAGCTTGACACAGCGTCGGACCACAGAGAAAGCCCCCC-3'
Protein context (NP_001211.3, residues 32-52): VKLCTGHEYA[Ala42Gly]KIINTKKLSA

ClinVar aggregate classification (germline): Uncertain significance (1 of 4 stars; one submission).

Conditions:
Inborn genetic diseases. Identifiers: MedGen C0950123, MeSH D030342.

Submission:

Ambry Genetics
Classification: Uncertain significance for Inborn genetic diseases. Last evaluated: 2023-06-22. Review status: criteria provided, single submitter. Criteria: Ambry Variant Classification Scheme 2023. Collection method: clinical testing. Allele origin: germline.
Comment: The c.125C>G (p.A42G) alteration is located in exon 2 (coding exon 2) of the CAMK2B gene. This alteration results from a C to G substitution at nucleotide position 125, causing the alanine (A) at amino acid position 42 to be replaced by a glycine (G). This variant was not reported in population-based cohorts in the Genome Aggregation Database (gnomAD). This amino acid position is highly conserved in available vertebrate species. This missense alteration is located in a region that has a low rate of benign missense variation (Lek, 2016; Firth, 2009). This alteration is predicted to be tolerated by in silico analysis. Based on insufficient or conflicting evidence, the clinical significance of this alteration remains unclear.